The following is an entry in ClinVar:

NM_000443.4(ABCB4):c.1731G>A (p.Lys577=)

Gene: ABCB4 (ATP binding cassette subfamily B member 4; minus strand). Cytogenetic location: 7q21.12.
Variant type: single nucleotide variant.
Coding change: c.1731G>A on transcript NM_000443.4 (MANE Select); coding-DNA position 1731, G replaced by A.
Protein change: p.Lys577=; no amino-acid change (lysine 577 retained).
Molecular consequence: synonymous variant.
Genome position (GRCh38, 1-based): chr7:87,439,667, C>T on the plus strand (G>A on the coding strand, the complement: ABCB4 is on the minus strand). VCF-style: chr7-87439667-C-T. GRCh37 (hg19) VCF-style: chr7-87068983-C-T.
Other names: c.1731G>A, p.Lys577= (NM_018849.3, NM_018850.3).
Identifiers: ClinVar variation 4532080 (VCV004532080.2).
Genomic context (GRCh38, chr7:87,439,667, plus strand): 5'-GGCAAGAATCTTCAATAGGTTTCAATGTGGTGGTCCTTCAGCTTTTTAGAGTCTACTGAC[C>T]TTATCCAGAGCTGCCTGTACCTCAGCTTCACTTTCTGTGTCCAATGCTGACGTGGCCTCA-3'
Protein context (NP_000434.1, residues 567-587): SEAEVQAALD[Lys577=]AREGRTTIVI

ClinVar aggregate classification (germline): Uncertain significance. Review status: criteria provided, multiple submitters, no conflicts (2 of 4 stars). 2 submissions from 2 submitters: Uncertain significance (2). Last evaluated 2026-04-14.

Conditions:
Low phospholipid associated cholelithiasis (GBD1). Also called: Gallstone cholecystitis; Gallbladder disease 1. Identifiers: Orphanet 69663, MedGen C2609268, MONDO:0010939, OMIM 600803.

gnomAD v4.1: 1 of 1,614,142 alleles (0.000062%); highest among the groups gnomAD compares: Non-Finnish European, 0.000085%; no homozygotes.

Submissions (2):

Genomenon, Inc
Classification: Uncertain significance for Low phospholipid associated cholelithiasis. Last evaluated: 2026-04-14. Review status: criteria provided, single submitter. Criteria: Genomenon Sequence Variant Interpretation Standards - Updated. Collection method: curation. Allele origin: germline. Affected: yes.
Comment: ABCB4 c.1731G>A is a synonymous variant that retains Lysine at residue 577. This variant has been observed in at least one proband with an ABCB4-related disorder (PMID:29761167). It is absent or not present at a significant frequency in gnomAD. In silico models predict that this variant is possibly or probably damaging. In conclusion, we classify ABCB4 p.Lys577= (c.1731G>A) as a variant of uncertain significance.

Victorian Clinical Genetics Services, Murdoch Childrens Research Institute
Classification: Uncertain significance for Low phospholipid associated cholelithiasis. Last evaluated: 2025-08-06. Review status: criteria provided, single submitter. Criteria: ACMG Guidelines, 2015. Collection method: clinical testing. Allele origin: germline. Affected: yes.
Comment: This variant is classified as VUS-3A. Evidence in support of pathogenic classification: Non-canonical splice site variant without proven consequence on splicing (no functional evidence available); Variant is present in gnomAD <0.01 (v4: 1 heterozygote(s), 0 homozygote(s)); This variant has limited previous evidence of pathogenicity in an unrelated individual(s). Abnormal splicing is predicted by in silico tool and affected nucleotide is highly conserved. Additional information: This variant is heterozygous; This gene is associated with both recessive and dominant disease. PFIC is inherited in a recessive manner, whereas ICP-3 and LPAC can be either dominant or recessive. Biallelic variants typically demonstrate less residual protein activity, resulting in earlier onset of the condition with a more severe phenotype (OMIM, PMID: 24806754, PMID: 32376413); No published evidence of segregation with disease has been identified for this variant; No published functional evidence has been identified for this variant; No comparable splice region variants have previous evidence for pathogenicity; Loss of function is a known mechanism of disease in this gene and is associated with intrahepatic cholestasis of pregnancy 3 (ICP-3) (MIM#614972), gallbladder disease 1 (low phospholipid-associated cholelithiasis (LPAC)) (MIM#600803) and progressive familial intrahepatic cholestasis 3 (PFIC) (MIM#602347); Inheritance information for this variant is not currently available in this individual.

Literature cited by the submitters: PubMed 29761167 (cited by Genomenon, Inc and Victorian Clinical Genetics Services, Murdoch Childrens Research Institute); PubMed 24806754 (cited by Victorian Clinical Genetics Services, Murdoch Childrens Research Institute); PubMed 32376413 (cited by Victorian Clinical Genetics Services, Murdoch Childrens Research Institute).